The following is an entry in ClinVar:

NM_001035.3(RYR2):c.8450C>T (p.Ala2817Val)

Gene: RYR2 (ryanodine receptor 2; plus strand). Cytogenetic location: 1q43.
Variant type: single nucleotide variant.
Coding change: c.8450C>T on transcript NM_001035.3 (MANE Select); coding-DNA position 8450, C replaced by T.
Protein change: p.Ala2817Val; replaces alanine 2817 with valine.
Molecular consequence: missense variant.
Genome position (GRCh38, 1-based): chr1:237,666,525, C>T. VCF-style: chr1-237666525-C-T. GRCh37 (hg19) VCF-style: chr1-237829825-C-T.
Other names: short protein forms A2817V.
Identifiers: ClinVar variation 848255 (VCV000848255.19), dbSNP rs765782802, ClinGen allele CA087630.

ClinVar aggregate classification (germline): Conflicting classifications of pathogenicity. Review status: criteria provided, conflicting classifications (1 of 4 stars). 5 submissions from 5 submitters: Uncertain significance (3); Likely benign (2). Last evaluated 2025-11-24.

Conditions:
Cardiovascular phenotype. Identifiers: MedGen CN230736.
Catecholaminergic polymorphic ventricular tachycardia (CVPT). Also called: Catecholamine-induced polymorphic ventricular tachycardia. Identifiers: Orphanet 3286, MedGen C5574922, MONDO:0017990.
Cardiomyopathy (CMYO). Also called: Cardiomyopathies. Identifiers: Orphanet 167848, MedGen C0878544, MONDO:0004994, HP:0001638. Inheritance: Various modes of inheritance.
Catecholaminergic polymorphic ventricular tachycardia 1. Also called: VENTRICULAR TACHYCARDIA, CATECHOLAMINERGIC POLYMORPHIC, 1, WITH OR WITHOUT ATRIAL DYSFUNCTION AND/OR DILATED CARDIOMYOPATHY; RYR2-Related Catecholaminergic Polymorphic Ventricular Tachycardia; VENTRICULAR TACHYCARDIA, STRESS-INDUCED POLYMORPHIC 1. Identifiers: Orphanet 3286, MedGen C1631597, MONDO:0011484, OMIM 604772.

Allele frequency attached by ClinVar (database versions not stated): gnomAD 0.00001 and 0.00002; TOPMed 0.00001; gnomAD exomes 0.00002 and 0.00003; ExAC 0.00005.
gnomAD v4.1: 29 of 1,612,028 alleles (0.0018%); highest among the groups gnomAD compares: South Asian, 0.019%; no homozygotes.

Submissions (5):

Ambry Genetics
Classification: Uncertain significance for Cardiovascular phenotype. Last evaluated: 2025-11-24. Review status: criteria provided, single submitter. Criteria: Ambry Variant Classification Scheme 2023. Collection method: clinical testing. Allele origin: germline.
Comment: The p.A2817V variant (also known as c.8450C>T), located in coding exon 57 of the RYR2 gene, results from a C to T substitution at nucleotide position 8450. The alanine at codon 2817 is replaced by valine, an amino acid with similar properties. This amino acid position is not well conserved in available vertebrate species. In addition, the in silico prediction for this alteration is inconclusive. Based on the available evidence, the clinical significance of this variant remains unclear.

Labcorp Genetics (formerly Invitae), Labcorp
Classification: Likely benign for Catecholaminergic polymorphic ventricular tachycardia 1. Last evaluated: 2025-10-13. Review status: criteria provided, single submitter. Criteria: Invitae Variant Classification Sherloc (09022015). Collection method: clinical testing. Allele origin: germline.

Color Diagnostics, LLC DBA Color Health
Classification: Likely benign for Cardiomyopathy. Last evaluated: 2025-05-27. Review status: criteria provided, single submitter. Criteria: ACMG Guidelines, 2015. Collection method: clinical testing. Allele origin: germline.

All of Us Research Program, National Institutes of Health
Classification: Uncertain significance for Catecholaminergic polymorphic ventricular tachycardia. Last evaluated: 2023-12-13. Review status: criteria provided, single submitter. Criteria: ACMG Guidelines, 2015. Collection method: clinical testing. Allele origin: germline. Inheritance: Autosomal dominant inheritance. Observed: 5 variant alleles, 5 heterozygotes.
Comment: This missense variant replaces alanine with valine at codon 2817 of the RYR2 protein. Computational prediction suggests that this variant may not impact protein structure and function (internally defined REVEL score threshold <= 0.5, PMID: 27666373). To our knowledge, functional studies have not been reported for this variant. This variant has not been reported in individuals affected with cardiovascular disorders in the literature. This variant has been identified in 10/277938 chromosomes in the general population by the Genome Aggregation Database (gnomAD). The available evidence is insufficient to determine the role of this variant in disease conclusively. Therefore, this variant is classified as a Variant of Uncertain Significance.

This study involves interpretation of variants in research participants for the purpose of population health screening. Participant phenotype was not available at the time of variant classification. Additional details can be found in publication PMID: 35346344, PMCID: PMC8962531

Blueprint Genetics
Classification: Uncertain significance. Last evaluated: 2022-06-20. Review status: criteria provided, single submitter. Criteria: ACMG Guidelines, 2015. Collection method: clinical testing. Allele origin: germline.